The following is an entry in ClinVar:

ClinVar aggregate classification (germline): Likely benign (0 of 4 stars; one submission).

Conditions:
SI-related disorder. Also called: SI-related condition.

Allele frequency attached by ClinVar (database versions not stated): gnomAD exomes below 0.00001; gnomAD 0.00001; ExAC 0.00003.
gnomAD v4.1: 5 of 1,603,276 alleles (0.00031%); highest among the groups gnomAD compares: East Asian, 0.0022%; no homozygotes.

Submission:

PreventionGenetics, part of Exact Sciences
Classification: Likely benign for SI-related condition. Last evaluated: 2023-12-04. Review status: no assertion criteria provided. Collection method: clinical testing. Allele origin: germline.
Comment: This variant is classified as likely benign based on ACMG/AMP sequence variant interpretation guidelines (Richards et al. 2015 PMID: 25741868, with internal and published modifications).

NM_001041.4(SI):c.3633+7T>C

Gene: SI (sucrase-isomaltase; minus strand). Cytogenetic location: 3q26.1.
Variant type: single nucleotide variant.
Coding change: c.3633+7T>C on transcript NM_001041.4 (MANE Select); 7 bases into the intron after coding-DNA position 3633, T replaced by C.
Molecular consequence: intron variant.
Genome position (GRCh38, 1-based): chr3:165,017,754, A>G on the plus strand (T>C on the coding strand, the complement: SI is on the minus strand). VCF-style: chr3-165017754-A-G. GRCh37 (hg19) VCF-style: chr3-164735542-A-G.
Identifiers: ClinVar variation 3039613 (VCV003039613.2), dbSNP rs777324632, ClinGen allele CA2690198.